The following is an entry in ClinVar:

ClinVar aggregate classification (germline): Likely benign. Review status: criteria provided, multiple submitters, no conflicts (2 of 4 stars). 2 submissions from 2 submitters: Likely benign (2). Last evaluated 2025-10-10.

Conditions:
Hypertrophic cardiomyopathy. Also called: HYPERTROPHIC MYOCARDIOPATHY. Identifiers: Orphanet 217569, MedGen C0007194, MeSH D002312, MONDO:0005045, HP:0001639.
Cardiomyopathy (CMYO). Also called: Cardiomyopathies. Identifiers: Orphanet 167848, MedGen C0878544, MONDO:0004994, HP:0001638. Inheritance: Various modes of inheritance.

Allele frequency attached by ClinVar (database versions not stated): gnomAD 0.00001; gnomAD exomes 0.00001; TOPMed below 0.00001.

Submissions (2):

Labcorp Genetics (formerly Invitae), Labcorp
Classification: Likely benign for Hypertrophic cardiomyopathy. Last evaluated: 2025-10-10. Review status: criteria provided, single submitter. Criteria: Invitae Variant Classification Sherloc (09022015). Collection method: clinical testing. Allele origin: germline.

All of Us Research Program, National Institutes of Health
Classification: Likely benign for Cardiomyopathy. Last evaluated: 2023-08-08. Review status: criteria provided, single submitter. Criteria: ACMG Guidelines, 2015. Collection method: clinical testing. Allele origin: germline. Inheritance: Autosomal dominant inheritance. Observed: 2 variant alleles, 2 heterozygotes.
Comment: This study involves interpretation of variants in research participants for the purpose of population health screening. Participant phenotype was not available at the time of variant classification. Additional details can be found in publication PMID: 35346344, PMCID: PMC8962531

NM_000257.4(MYH7):c.2410C>T (p.Leu804=)

Genes: MYH7 (myosin heavy chain 7; minus strand), LOC126861898 (BRD4-independent group 4 enhancer GRCh37_chr14:23893609-23894808; plus strand). Cytogenetic location: 14q11.2.
Variant type: single nucleotide variant.
Coding change: c.2410C>T on transcript NM_000257.4 (MANE Select); coding-DNA position 2410, C replaced by T.
Protein change: p.Leu804=; no amino-acid change (leucine 804 retained).
Molecular consequence: synonymous variant.
Genome position (GRCh38, 1-based): chr14:23,425,295, G>A on the plus strand (C>T on the coding strand, the complement: MYH7 is on the minus strand). VCF-style: chr14-23425295-G-A. GRCh37 (hg19) VCF-style: chr14-23894504-G-A.
Other names: c.2410C>T, p.Leu804= (NM_001407004.1).
Identifiers: ClinVar variation 3069903 (VCV003069903.3), dbSNP rs1169056407, ClinGen allele CA485622635.